The following is an entry in ClinVar:

ClinVar aggregate classification (germline): Pathogenic (1 of 4 stars; one submission).

Conditions:
Usher syndrome type 1C. Also called: USHER SYNDROME, TYPE I, ACADIAN VARIETY. Identifiers: Orphanet 231169, Orphanet 886, MedGen C1848604, MONDO:0010171, OMIM 276904.

Submission:

Myriad Genetics, Inc.
Classification: Pathogenic for Usher syndrome type 1C. Last evaluated: 2024-11-27. Review status: criteria provided, single submitter. Criteria: Myriad Autosomal Dominant, Autosomal Recessive and X-Linked Classification Criteria (2023). Collection method: clinical testing. Allele origin: unknown.
Comment: NM_005709.3(USH1C):c.385C>T(Q129*) is expected to be pathogenic in the context of USH1C-related disorders. This variant is predicted to lead to an abnormal or absent protein product due to the creation of a premature termination codon in USH1C, a gene where loss-of-function variants are known to be pathogenic. Please note: this variant was assessed in the context of healthy population screening.

NM_153676.4(USH1C):c.385C>T (p.Gln129Ter)

Gene: USH1C (USH1 protein network component harmonin; minus strand). Cytogenetic location: 11p15.1.
Variant type: single nucleotide variant.
Coding change: c.385C>T on transcript NM_153676.4 (MANE Select); coding-DNA position 385, C replaced by T.
Protein change: p.Gln129Ter; replaces glutamine 129 with a stop codon.
Molecular consequence: nonsense. On other transcripts: non-coding transcript variant (1).
Genome position (GRCh38, 1-based): chr11:17,531,156, G>A on the plus strand (C>T on the coding strand, the complement: USH1C is on the minus strand). VCF-style: chr11-17531156-G-A. GRCh37 (hg19) VCF-style: chr11-17552703-G-A.
Other names: c.385C>T, p.Gln129Ter (NM_001297764.2, NM_001440680.1, NM_001440681.1 and 5 more transcripts); c.418C>T, p.Gln140Ter (NM_001440679.1, NM_001440684.1, NM_001440686.1); short protein forms Q129*, Q140*.
Identifiers: ClinVar variation 5013810 (VCV005013810.1).